The following is an entry in ClinVar:

ClinVar aggregate classification (germline): Conflicting classifications of pathogenicity. Review status: criteria provided, conflicting classifications (1 of 4 stars). 8 submissions from 8 submitters: Uncertain significance (4); Likely benign (2). 2 of the submissions do not count toward it. Last evaluated 2026-09-09.

Conditions:
ADGRV1-related disorder. Also called: ADGRV1-related condition; ADGRV1-related disorders.
Usher syndrome type 2. Also called: Usher Syndrome Type II. Identifiers: Orphanet 231178, MedGen C0339534, MONDO:0016484.

Allele frequency attached by ClinVar (database versions not stated): gnomAD 0.00001 and 0.00002; TOPMed 0.00001; ExAC 0.00002; gnomAD exomes 0.00002.
gnomAD v4.1: 40 of 1,609,334 alleles (0.0025%); highest among the groups gnomAD compares: Middle Eastern, 0.066%; no homozygotes.

Submissions (8):

PreventionGenetics, part of Exact Sciences
Classification: Uncertain significance for ADGRV1-related condition. Last evaluated: 2026-09-09. Review status: criteria provided, single submitter. Criteria: ACMG Guidelines, 2015. Collection method: clinical testing. Allele origin: germline.
Comment: The ADGRV1 c.2759G>A variant is predicted to result in the amino acid substitution p.Arg920Gln. To our knowledge, this variant has not been reported in the literature. This variant is reported in 0.0034% of alleles in individuals of South Asian descent in gnomAD. At this time, the clinical significance of this variant is uncertain due to the absence of conclusive functional and genetic evidence.

Labcorp Genetics (formerly Invitae), Labcorp
Classification: Likely benign. Last evaluated: 2026-01-27. Review status: criteria provided, single submitter. Criteria: Invitae Variant Classification Sherloc (09022015). Collection method: clinical testing. Allele origin: germline.

Blueprint Genetics
Classification: Uncertain significance. Last evaluated: 2024-09-23. Review status: criteria provided, single submitter. Criteria: ACMG Guidelines, 2015. Collection method: clinical testing. Allele origin: germline.

GeneDx
Classification: Uncertain significance. Last evaluated: 2024-01-04. Review status: criteria provided, single submitter. Criteria: GeneDx Variant Classification Process June 2021. Collection method: clinical testing. Allele origin: germline. Affected: yes.
Comment: Not observed at significant frequency in large population cohorts (gnomAD); In silico analysis supports that this missense variant does not alter protein structure/function; Has not been previously published as pathogenic or benign to our knowledge

Department of Pathology and Laboratory Medicine, Sinai Health System
Classification: Uncertain significance for Usher syndrome type 2. Last evaluated: 2021-07-30. Review status: criteria provided, single submitter. Criteria: ACMG Guidelines, 2015. Collection method: research. Allele origin: germline.

Laboratory for Molecular Medicine, Mass General Brigham Personalized Medicine
Classification: Likely benign. Last evaluated: 2017-05-25. Review status: criteria provided, single submitter. Criteria: LMM Criteria. Collection method: clinical testing. Allele origin: germline. Observed: 1 variant allele.
Comment: p.Arg920Gln in exon 15 of GPR98: This variant is not expected to have clinical s ignificance due to a lack of conservation across species, including mammals. Of note, five mammals have a glutamine (Gln) at this position despite high nearby a mino acid conservation. It has been identified in 2/125856 European chromosomes, 1/29848 South Asian chromosomes, and 1/33630 Latino chromosomes by the Genome A ggregation Database (gnomAD; dbSNP rs766225545 ).

Clinical Genetics DNA and cytogenetics Diagnostics Lab, Erasmus MC, Erasmus Medical Center
Classification: Likely benign. Review status: no assertion criteria provided. Collection method: clinical testing. Allele origin: germline. Affected: yes. Study: VKGL Data-share Consensus. Not counted in ClinVar's aggregate classification.

Clinical Genetics, Academic Medical Center
Classification: Likely benign. Review status: no assertion criteria provided. Collection method: clinical testing. Allele origin: germline. Affected: yes. Study: VKGL Data-share Consensus. Not counted in ClinVar's aggregate classification.

NM_032119.4(ADGRV1):c.2759G>A (p.Arg920Gln)

Gene: ADGRV1 (adhesion G protein-coupled receptor V1; plus strand). Cytogenetic location: 5q14.3.
Variant type: single nucleotide variant.
Coding change: c.2759G>A on transcript NM_032119.4 (MANE Select); coding-DNA position 2759, G replaced by A.
Protein change: p.Arg920Gln; replaces arginine 920 with glutamine.
Molecular consequence: missense variant. On other transcripts: non-coding transcript variant (1).
Genome position (GRCh38, 1-based): chr5:90,644,730, G>A. VCF-style: chr5-90644730-G-A. GRCh37 (hg19) VCF-style: chr5-89940547-G-A.
Other names: short protein forms R920Q.
Identifiers: ClinVar variation 505841 (VCV000505841.20), dbSNP rs766225545, ClinGen allele CA3339015.